The following is an entry in ClinVar:

ClinVar aggregate classification (germline): Uncertain significance. Review status: criteria provided, multiple submitters, no conflicts (2 of 4 stars). 2 submissions from 2 submitters: Uncertain significance (2). Last evaluated 2024-04-28.

Conditions:
Cardiovascular phenotype. Identifiers: MedGen CN230736.

Submissions (2):

Ambry Genetics
Classification: Uncertain significance for Cardiovascular phenotype. Last evaluated: 2024-04-28. Review status: criteria provided, single submitter. Criteria: Ambry Variant Classification Scheme 2023. Collection method: clinical testing. Allele origin: germline.
Comment: The p.E553Q variant (also known as c.1657G>C), located in coding exon 5 of the ALPK3 gene, results from a G to C substitution at nucleotide position 1657. The glutamic acid at codon 553 is replaced by glutamine, an amino acid with highly similar properties. This amino acid position is conserved. In addition, this alteration is predicted to be tolerated by in silico analysis. Based on the available evidence, the clinical significance of this variant remains unclear.

Labcorp Genetics (formerly Invitae), Labcorp
Classification: Uncertain significance. Last evaluated: 2021-04-23. Review status: criteria provided, single submitter. Criteria: Invitae Variant Classification Sherloc (09022015). Collection method: clinical testing. Allele origin: germline.
Comment: In summary, the available evidence is currently insufficient to determine the role of this variant in disease. Therefore, it has been classified as a Variant of Uncertain Significance. Algorithms developed to predict the effect of missense changes on protein structure and function output the following: SIFT: "Tolerated"; PolyPhen-2: "Benign"; Align-GVGD: "Class C0". The glutamine amino acid residue is found in multiple mammalian species, suggesting that this missense change does not adversely affect protein function. These predictions have not been confirmed by published functional studies and their clinical significance is uncertain. This variant has not been reported in the literature in individuals with ALPK3-related conditions. This variant is not present in population databases (ExAC no frequency). This sequence change replaces glutamic acid with glutamine at codon 553 of the ALPK3 protein (p.Glu553Gln). The glutamic acid residue is weakly conserved and there is a small physicochemical difference between glutamic acid and glutamine.

NM_020778.5(ALPK3):c.1051G>C (p.Glu351Gln)

Gene: ALPK3 (alpha kinase 3; plus strand). Cytogenetic location: 15q25.3.
Variant type: single nucleotide variant.
Coding change: c.1051G>C on transcript NM_020778.5 (MANE Select); coding-DNA position 1051, G replaced by C.
Protein change: p.Glu351Gln; replaces glutamic acid 351 with glutamine.
Molecular consequence: missense variant.
Genome position (GRCh38, 1-based): chr15:84,840,330, G>C. VCF-style: chr15-84840330-G-C. GRCh37 (hg19) VCF-style: chr15-85383561-G-C.
Other names: c.1657G>C (NM_020778.4); short protein forms E351Q.
Identifiers: ClinVar variation 1500067 (VCV001500067.9), dbSNP rs374922996, ClinGen allele CA393374252.
Genomic context (GRCh38, chr15:84,840,330, plus strand): 5'-GAGTTAGAGAAGGCAGCCCAAAGCCGCCGTTCTTCAGAAAACTGCATCCCCAGCTCAGAC[G>C]AGCCTGACTCCTGTGGGACTCAGGGGCCCGTGGGCGTGGAGCAGGTTCAGACCCAGCCCA-3'
Protein context (NP_065829.4, residues 341-361): SSENCIPSSD[Glu351Gln]PDSCGTQGPV